The following is an entry in ClinVar:

NM_017777.4(MKS1):c.791C>T (p.Thr264Met)

Gene: MKS1 (MKS transition zone complex subunit 1; minus strand). Cytogenetic location: 17q22.
Variant type: single nucleotide variant.
Coding change: c.791C>T on transcript NM_017777.4 (MANE Select); coding-DNA position 791, C replaced by T.
Protein change: p.Thr264Met; replaces threonine 264 with methionine.
Molecular consequence: missense variant.
Genome position (GRCh38, 1-based): chr17:58,213,049, G>A on the plus strand (C>T on the coding strand, the complement: MKS1 is on the minus strand). VCF-style: chr17-58213049-G-A. GRCh37 (hg19) VCF-style: chr17-56290410-G-A.
Other names: c.791C>T, p.Thr264Met (NM_001321269.2, NM_001330397.2); c.182C>T, p.Thr61Met (NM_001321268.2); c.791C>T (NM_017777.3); short protein forms T264M, T61M.
Identifiers: ClinVar variation 1058335 (VCV001058335.5), dbSNP rs561482424, ClinGen allele CA8669410.

ClinVar aggregate classification (germline): Uncertain significance. Review status: criteria provided, multiple submitters, no conflicts (2 of 4 stars). 3 submissions from 3 submitters: Uncertain significance (2). 1 of the submissions does not count toward it. Last evaluated 2022-06-16.

Conditions:
Meckel syndrome, type 1 (MKS1). Also called: MECKEL-GRUBER SYNDROME, TYPE 1. Identifiers: Orphanet 564, MedGen C3714506, MONDO:0009571, OMIM 249000.
Bardet-Biedl syndrome 13 (BBS13). Identifiers: Orphanet 110, MedGen C2673873, MONDO:0014441, OMIM 615990.
Joubert syndrome 28 (JBTS28). Identifiers: MedGen C4310705, MONDO:0014928, OMIM 617121.
Joubert syndrome. Also called: Familial aplasia of the vermis; CEREBELLOPARENCHYMAL DISORDER IV; JOUBERT-BOLTSHAUSER SYNDROME. Identifiers: Orphanet 475, MedGen C5979921, MONDO:0018772.
Meckel-Gruber syndrome. Also called: Dysencephalia splachnocystica; DYSENCEPHALIA SPLANCHNOCYSTICA; GRUBER SYNDROME. Identifiers: Orphanet 564, MedGen C0265215, MONDO:0018921.

Allele frequency attached by ClinVar (database versions not stated): gnomAD 0.00001 and 0.00003; gnomAD exomes 0.00002; TOPMed 0.00002; ExAC 0.00004; 1000 Genomes Project 30x 0.00031; 1000 Genomes Project 0.00040.
gnomAD v4.1: 33 of 1,614,046 alleles (0.002%); highest among the groups gnomAD compares: South Asian, 0.021%; no homozygotes.

Submissions (3):

New York Genome Center
Classification: Uncertain significance for Bardet-Biedl syndrome 13; Joubert syndrome 28; Meckel syndrome, type 1. Last evaluated: 2022-06-16. Review status: criteria provided, single submitter. Criteria: NYGC Assertion Criteria 2020. Collection method: clinical testing. Allele origin: germline. Observed: 1 heterozygote.

Labcorp Genetics (formerly Invitae), Labcorp
Classification: Uncertain significance for Joubert syndrome; Meckel-Gruber syndrome. Last evaluated: 2021-09-01. Review status: criteria provided, single submitter. Criteria: Invitae Variant Classification Sherloc (09022015). Collection method: clinical testing. Allele origin: germline.
Comment: This sequence change replaces threonine with methionine at codon 264 of the MKS1 protein (p.Thr264Met). The threonine residue is highly conserved and there is a moderate physicochemical difference between threonine and methionine. This variant is present in population databases (rs561482424, ExAC 0.01%). This variant has not been reported in the literature in individuals affected with MKS1-related conditions. Algorithms developed to predict the effect of missense changes on protein structure and function are either unavailable or do not agree on the potential impact of this missense change (SIFT: "Tolerated"; PolyPhen-2: "Probably Damaging"; Align-GVGD: "Class C0"). In summary, the available evidence is currently insufficient to determine the role of this variant in disease. Therefore, it has been classified as a Variant of Uncertain Significance.

Natera, Inc.
Classification: Uncertain significance for Meckel syndrome type 1. Last evaluated: 2020-09-08. Review status: no assertion criteria provided. Collection method: clinical testing. Allele origin: germline. Not counted in ClinVar's aggregate classification.